The following is an entry in ClinVar:

NM_144499.3(GNAT1):c.320C>T (p.Ala107Val)

Gene: GNAT1 (G protein subunit alpha transducin 1; plus strand). Cytogenetic location: 3p21.31.
Variant type: single nucleotide variant.
Coding change: c.320C>T on transcript NM_144499.3 (MANE Select); coding-DNA position 320, C replaced by T.
Protein change: p.Ala107Val; replaces alanine 107 with valine.
Molecular consequence: missense variant.
Genome position (GRCh38, 1-based): chr3:50,193,534, C>T. VCF-style: chr3-50193534-C-T. GRCh37 (hg19) VCF-style: chr3-50230967-C-T.
Other names: c.320C>T, p.Ala107Val (NM_000172.4); short protein forms A107V.
Identifiers: ClinVar variation 1934135 (VCV001934135.6), dbSNP rs752906907, ClinGen allele CA74601222.

ClinVar aggregate classification (germline): Uncertain significance. Review status: criteria provided, multiple submitters, no conflicts (2 of 4 stars). 2 submissions from 2 submitters: Uncertain significance (2). Last evaluated 2024-12-19.

Allele frequency attached by ClinVar (database versions not stated): TOPMed 0.00001; gnomAD 0.00003.
gnomAD v4.1: 26 of 1,613,264 alleles (0.0016%); highest among the groups gnomAD compares: Non-Finnish European, 0.0021%; no homozygotes.

Submissions (2):

Labcorp Genetics (formerly Invitae), Labcorp
Classification: Uncertain significance. Last evaluated: 2024-12-19. Review status: criteria provided, single submitter. Criteria: Invitae Variant Classification Sherloc (09022015). Collection method: clinical testing. Allele origin: germline.
Comment: This sequence change replaces alanine, which is neutral and non-polar, with valine, which is neutral and non-polar, at codon 107 of the GNAT1 protein (p.Ala107Val). This variant is present in population databases (rs752906907, gnomAD 0.007%). This variant has not been reported in the literature in individuals affected with GNAT1-related conditions. ClinVar contains an entry for this variant (Variation ID: 1934135). Invitae Evidence Modeling of protein sequence and biophysical properties (such as structural, functional, and spatial information, amino acid conservation, physicochemical variation, residue mobility, and thermodynamic stability) indicates that this missense variant is not expected to disrupt GNAT1 protein function with a negative predictive value of 80%. In summary, the available evidence is currently insufficient to determine the role of this variant in disease. Therefore, it has been classified as a Variant of Uncertain Significance.

Blueprint Genetics
Classification: Uncertain significance. Last evaluated: 2019-10-09. Review status: criteria provided, single submitter. Criteria: ACMG Guidelines, 2015. Collection method: clinical testing. Allele origin: germline.